The following is an entry in ClinVar:

NM_000135.4(FANCA):c.2834C>G (p.Ala945Gly)

Gene: FANCA (FA complementation group A; minus strand). Cytogenetic location: 16q24.3.
Variant type: single nucleotide variant.
Coding change: c.2834C>G on transcript NM_000135.4 (MANE Select); coding-DNA position 2834, C replaced by G.
Protein change: p.Ala945Gly; replaces alanine 945 with glycine.
Molecular consequence: missense variant.
Genome position (GRCh38, 1-based): chr16:89,761,967, G>C on the plus strand (C>G on the coding strand, the complement: FANCA is on the minus strand). VCF-style: chr16-89761967-G-C. GRCh37 (hg19) VCF-style: chr16-89828375-G-C.
Other names: c.2834C>G, p.Ala945Gly (NM_001286167.3); short protein forms A945G.
Identifiers: ClinVar variation 3848111 (VCV003848111.2).

ClinVar aggregate classification (germline): Uncertain significance. Review status: criteria provided, multiple submitters, no conflicts (2 of 4 stars). 2 submissions from 2 submitters: Uncertain significance (2). Last evaluated 2025-11-03.

Conditions:
Fanconi anemia (FA). Also called: Fanconi's anemia. Identifiers: Orphanet 84, MedGen C0015625, MeSH D005199, MONDO:0019391.
Inborn genetic diseases. Identifiers: MedGen C0950123, MeSH D030342.

Submissions (2):

Labcorp Genetics (formerly Invitae), Labcorp
Classification: Uncertain significance for Fanconi anemia. Last evaluated: 2025-11-03. Review status: criteria provided, single submitter. Criteria: Invitae Variant Classification Sherloc (09022015). Collection method: clinical testing. Allele origin: germline.
Comment: This sequence change replaces alanine, which is neutral and non-polar, with glycine, which is neutral and non-polar, at codon 945 of the FANCA protein (p.Ala945Gly). This variant is not present in population databases (gnomAD no frequency). This variant has not been reported in the literature in individuals affected with FANCA-related conditions. ClinVar contains an entry for this variant (Variation ID: 3848111). Invitae Evidence Modeling of protein sequence and biophysical properties (such as structural, functional, and spatial information, amino acid conservation, physicochemical variation, residue mobility, and thermodynamic stability) indicates that this missense variant is not expected to disrupt FANCA protein function with a negative predictive value of 95%. In summary, the available evidence is currently insufficient to determine the role of this variant in disease. Therefore, it has been classified as a Variant of Uncertain Significance.

Ambry Genetics
Classification: Uncertain significance for Inborn genetic diseases. Last evaluated: 2025-01-14. Review status: criteria provided, single submitter. Criteria: Ambry Variant Classification Scheme 2023. Collection method: clinical testing. Allele origin: germline.
Comment: The p.A945G variant (also known as c.2834C>G), located in coding exon 29 of the FANCA gene, results from a C to G substitution at nucleotide position 2834. The alanine at codon 945 is replaced by glycine, an amino acid with similar properties. This amino acid position is conserved. In addition, this alteration is predicted to be tolerated by in silico analysis. Based on the available evidence, the clinical significance of this variant remains unclear.